The following is an entry in ClinVar:

NM_201596.3(CACNB2):c.208C>T (p.Arg70Cys)

Gene: CACNB2 (calcium voltage-gated channel auxiliary subunit beta 2; plus strand). Cytogenetic location: 10p12.33.
Variant type: single nucleotide variant.
Coding change: c.208C>T on transcript NM_201596.3 (MANE Select); coding-DNA position 208, C replaced by T.
Protein change: p.Arg70Cys; replaces arginine 70 with cysteine.
Molecular consequence: missense variant.
Genome position (GRCh38, 1-based): chr10:18,150,970, C>T. VCF-style: chr10-18150970-C-T. GRCh37 (hg19) VCF-style: chr10-18439899-C-T.
Other names: c.124C>T, p.Arg42Cys (NM_001167945.2, NM_201571.4, NM_201572.4); c.208C>T, p.Arg70Cys (NM_201593.3, NM_201597.3); short protein forms R70C, R42C.
Identifiers: ClinVar variation 545669 (VCV000545669.3), dbSNP rs760538597, ClinGen allele CA5429433.

ClinVar aggregate classification (germline): Uncertain significance (1 of 4 stars; one submission).

Conditions:
Autism spectrum disorder. Also called: Autism spectrum disorders. Identifiers: MedGen C1510586, MeSH D000067877, MONDO:0005258.

Submission:

Medical Genetics Lab, Policlinico S. Orsola.Malpighi
Classification: Uncertain significance for Autism spectrum disorder. Last evaluated: 2018-05-28. Review status: criteria provided, single submitter. Criteria: ACMG Guidelines, 2015. Collection method: clinical testing. Allele origin: germline. Inheritance: Autosomal recessive inheritance. Affected: yes. Observed: 1 variant allele, 1 homozygote.
Comment: No other plausible variants in candidate genes were identified. It is predicted "possibly damaging" bay PolyPhen and "deletrious" by SIFT. CACNB2 variants can cause Brugada syndrome but were also identified as possibly predisposing to Autism Spectrum Disorder.